The following is an entry in ClinVar:

ClinVar aggregate classification (germline): Likely benign. Review status: criteria provided, multiple submitters, no conflicts (2 of 4 stars). 3 submissions from 3 submitters: Likely benign (3). Last evaluated 2026-06-21.

Conditions:
COL18A1-related disorder. Also called: COL18A1-related disorders; COL18A1-related condition.

Allele frequency attached by ClinVar (database versions not stated): ExAC 0.00007; TOPMed 0.00011; gnomAD 0.00012; 1000 Genomes Project 30x 0.00016.
gnomAD v4.1: 107 of 1,541,374 alleles (0.0069%); highest among the groups gnomAD compares: African/African-American, 0.039%; no homozygotes.

Submissions (3):

PreventionGenetics, part of Exact Sciences
Classification: Likely benign for COL18A1-related condition. Last evaluated: 2026-06-21. Review status: criteria provided, single submitter. Criteria: ACMG Guidelines, 2015. Collection method: clinical testing. Allele origin: germline.
Comment: This variant is classified as likely benign based on ACMG/AMP sequence variant interpretation guidelines (Richards et al. 2015 PMID: 25741868, with internal and published modifications).

Labcorp Genetics (formerly Invitae), Labcorp
Classification: Likely benign. Last evaluated: 2026-01-09. Review status: criteria provided, single submitter. Criteria: Invitae Variant Classification Sherloc (09022015). Collection method: clinical testing. Allele origin: germline.

Blueprint Genetics
Classification: Likely benign. Last evaluated: 2023-12-21. Review status: criteria provided, single submitter. Criteria: ACMG Guidelines, 2015. Collection method: clinical testing. Allele origin: germline.

NM_001379500.1(COL18A1):c.3696C>T (p.Asp1232=)

Genes: COL18A1 (collagen type XVIII alpha 1 chain; plus strand), SLC19A1 (solute carrier family 19 member 1; minus strand). Cytogenetic location: 21q22.3.
Variant type: single nucleotide variant.
Coding change: c.3696C>T on transcript NM_001379500.1 (MANE Select); coding-DNA position 3696, C replaced by T.
Protein change: p.Asp1232=; no amino-acid change (aspartic acid 1232 retained).
Molecular consequence: synonymous variant.
Genome position (GRCh38, 1-based): chr21:45,511,113, C>T. VCF-style: chr21-45511113-C-T. GRCh37 (hg19) VCF-style: chr21-46931027-C-T.
Other names: c.4227C>T, p.Asp1409= (NM_030582.4); c.4932C>T, p.Asp1644= (NM_130444.3); c.4227C>T (NM_030582.3).
Identifiers: ClinVar variation 1641219 (VCV001641219.10), dbSNP rs747253925, ClinGen allele CA10068050.